The following is an entry in ClinVar:

ClinVar aggregate classification (germline): Uncertain significance. Review status: criteria provided, multiple submitters, no conflicts (2 of 4 stars). 2 submissions from 2 submitters: Uncertain significance (2). Last evaluated 2023-12-15.

Conditions:
Inborn genetic diseases. Identifiers: MedGen C0950123, MeSH D030342.

Allele frequency attached by ClinVar (database versions not stated): gnomAD 0.00001; ExAC 0.00002; TOPMed 0.00003.
gnomAD v4.1: 5 of 1,533,542 alleles (0.00033%); highest among the groups gnomAD compares: Admixed American, 0.0019%; no homozygotes.

Submissions (2):

Ambry Genetics
Classification: Uncertain significance for Inborn genetic diseases. Last evaluated: 2023-12-15. Review status: criteria provided, single submitter. Criteria: Ambry Variant Classification Scheme 2023. Collection method: clinical testing. Allele origin: germline.

Labcorp Genetics (formerly Invitae), Labcorp
Classification: Uncertain significance. Last evaluated: 2023-12-12. Review status: criteria provided, single submitter. Criteria: Invitae Variant Classification Sherloc (09022015). Collection method: clinical testing. Allele origin: germline.
Comment: This sequence change replaces arginine, which is basic and polar, with leucine, which is neutral and non-polar, at codon 72 of the ADCY5 protein (p.Arg72Leu). The frequency data for this variant in the population databases is considered unreliable, as metrics indicate poor data quality at this position in the gnomAD database. This variant has not been reported in the literature in individuals affected with ADCY5-related conditions. Advanced modeling of protein sequence and biophysical properties (such as structural, functional, and spatial information, amino acid conservation, physicochemical variation, residue mobility, and thermodynamic stability) has been performed at Invitae for this missense variant, however the output from this modeling did not meet the statistical confidence thresholds required to predict the impact of this variant on ADCY5 protein function. In summary, the available evidence is currently insufficient to determine the role of this variant in disease. Therefore, it has been classified as a Variant of Uncertain Significance.

NM_183357.3(ADCY5):c.215G>T (p.Arg72Leu)

Gene: ADCY5 (adenylate cyclase 5; minus strand). Cytogenetic location: 3q21.1.
Variant type: single nucleotide variant.
Coding change: c.215G>T on transcript NM_183357.3 (MANE Select); coding-DNA position 215, G replaced by T.
Protein change: p.Arg72Leu; replaces arginine 72 with leucine.
Molecular consequence: missense variant.
Genome position (GRCh38, 1-based): chr3:123,448,331, C>A on the plus strand (G>T on the coding strand, the complement: ADCY5 is on the minus strand). VCF-style: chr3-123448331-C-A. GRCh37 (hg19) VCF-style: chr3-123167178-C-A.
Other names: c.215G>T (NM_183357.2); c.215G>T, p.Arg72Leu (NM_001378259.1); short protein forms R72L.
Identifiers: ClinVar variation 2976520 (VCV002976520.4), dbSNP rs771931187, ClinGen allele CA2577725.
Genomic context (GRCh38, chr3:123,448,331, plus strand): 5'-CCCCCGGCCAGGGGGTCGTCACCGCTCAGCGGAGGATCGTCGTCGTCGTCGCTGCGCCAG[C>A]GGCTGGCCAGGCGCTGCTGCTGCTGCGGGGTCACCGCCCCCCCGGGTTTCTTGGTGGAGC-3'
Protein context (NP_899200.1, residues 62-82): TPQQQQRLAS[Arg72Leu]WRSDDDDDPP